The following is an entry in ClinVar:

NM_000051.4(ATM):c.4478T>G (p.Leu1493Arg)

Gene: ATM (ATM serine/threonine kinase; plus strand). Cytogenetic location: 11q22.3.
Variant type: single nucleotide variant.
Coding change: c.4478T>G on transcript NM_000051.4 (MANE Select); coding-DNA position 4478, T replaced by G.
Protein change: p.Leu1493Arg; replaces leucine 1493 with arginine.
Molecular consequence: missense variant.
Genome position (GRCh38, 1-based): chr11:108,292,660, T>G. VCF-style: chr11-108292660-T-G. GRCh37 (hg19) VCF-style: chr11-108163387-T-G.
Other names: c.4478T>G, p.Leu1493Arg (NM_001351834.2); short protein forms L1493R.
Identifiers: ClinVar variation 2453948 (VCV002453948.2), dbSNP rs2135798485, ClinGen allele CA382533247.

ClinVar aggregate classification (germline): Uncertain significance (1 of 4 stars; one submission).

Conditions:
Hereditary cancer-predisposing syndrome. Also called: Neoplastic Syndromes, Hereditary; Hereditary neoplastic syndrome; Tumor predisposition; Hereditary Cancer Syndrome. Identifiers: Orphanet 140162, MedGen C0027672, MeSH D009386, MONDO:0015356.

Submission:

Ambry Genetics
Classification: Uncertain significance for Hereditary cancer-predisposing syndrome. Last evaluated: 2022-12-17. Review status: criteria provided, single submitter. Criteria: Ambry Variant Classification Scheme 2023. Collection method: clinical testing. Allele origin: germline.
Comment: The p.L1493R variant (also known as c.4478T>G), located in coding exon 29 of the ATM gene, results from a T to G substitution at nucleotide position 4478. The leucine at codon 1493 is replaced by arginine, an amino acid with dissimilar properties. This amino acid position is conserved. In addition, this alteration is predicted to be deleterious by in silico analysis. Since supporting evidence is limited at this time, the clinical significance of this alteration remains unclear.